The following is an entry in ClinVar:

NM_003072.5(SMARCA4):c.3768_3774+7dup

Gene: SMARCA4 (SWI/SNF related BAF chromatin remodeling complex subunit ATPase 4; plus strand). Cytogenetic location: 19p13.2.
Variant type: Duplication.
Coding change: c.3768_3774+7dup on transcript NM_003072.5 (MANE Select); coding-DNA position 3768 through 7 bases into the intron after coding-DNA position 3774, 14 bases duplicated (GGATGAGGTGAGCC).
Molecular consequence: splice donor variant.
Genome position (GRCh38, 1-based): chr19:11,033,511-11,033,524, GGATGAGGTGAGCC duplicated. VCF-style (leftmost placement, unchanged base first): chr19-11033510-A-AGGATGAGGTGAGCC. GRCh37 (hg19) VCF-style: chr19-11144186-A-AGGATGAGGTGAGCC.
Other names: c.3768_3774+7dup (NM_001128844.3, NM_001128849.3, NM_001128847.4 and 5 more transcripts).
Identifiers: ClinVar variation 1465308 (VCV001465308.8), dbSNP rs2146655619, ClinGen allele CA2573155685.

ClinVar aggregate classification (germline): Uncertain significance (1 of 4 stars; one submission).

Conditions:
Rhabdoid tumor predisposition syndrome 2 (RTPS2). Identifiers: Orphanet 231108, Orphanet 69077, MedGen C2750074, MONDO:0013224, OMIM 613325.

Submission:

Labcorp Genetics (formerly Invitae), Labcorp
Classification: Uncertain significance for Rhabdoid tumor predisposition syndrome 2. Last evaluated: 2021-04-18. Review status: criteria provided, single submitter. Criteria: Invitae Variant Classification Sherloc (09022015). Collection method: clinical testing. Allele origin: germline.
Comment: In summary, the available evidence is currently insufficient to determine the role of this variant in disease. Therefore, it has been classified as a Variant of Uncertain Significance. Algorithms developed to predict the effect of sequence changes on RNA splicing suggest that this variant may create or strengthen a splice site, but this prediction has not been confirmed by published transcriptional studies. This variant has not been reported in the literature in individuals with SMARCA4-related conditions. This variant is not present in population databases (ExAC no frequency). This sequence change falls in intron 26 of the SMARCA4 gene. It does not directly change the encoded amino acid sequence of the SMARCA4 protein.